The following is an entry in ClinVar:

NM_007294.4(BRCA1):c.212+19A>G

Gene: BRCA1 (BRCA1 DNA repair associated; minus strand). Cytogenetic location: 17q21.31.
Variant type: single nucleotide variant.
Coding change: c.212+19A>G on transcript NM_007294.4 (MANE Select); 19 bases into the intron after coding-DNA position 212, A replaced by G.
Molecular consequence: intron variant.
Genome position (GRCh38, 1-based): chr17:43,106,437, T>C on the plus strand (A>G on the coding strand, the complement: BRCA1 is on the minus strand). VCF-style: chr17-43106437-T-C. GRCh37 (hg19) VCF-style: chr17-41258454-T-C.
Other names: c.212+19A>G (NM_001407860.1, NM_001407611.1, NM_001407590.1 and 167 more transcripts); c.-169-1481A>G (NM_001407965.1, NM_001407959.1, NM_001407962.1 and 4 more transcripts); c.71+19A>G (NM_001407930.1, NM_001407843.1, NM_001408456.1 and 99 more transcripts); c.2+41A>G (NM_001408482.1, NM_001407954.1, NM_001407896.1 and 58 more transcripts); c.135-1481A>G (NM_001407874.1, NM_001408416.1, NM_001408414.1 and 21 more transcripts); c.-218-11577A>G (NM_001407967.1, NM_001407966.1); c.81-1481A>G (NM_001408451.1).
Identifiers: ClinVar variation 390808 (VCV000390808.2), dbSNP rs1057523894, ClinGen allele CA16608463.

ClinVar aggregate classification (germline): Likely benign (1 of 4 stars; one submission).

Submission:

GeneDx
Classification: Likely benign. Last evaluated: 2016-11-03. Review status: criteria provided, single submitter. Criteria: GeneDx Variant Classification (06012015). Collection method: clinical testing. Allele origin: germline. Affected: yes.
Comment: This variant is considered likely benign or benign based on one or more of the following criteria: it is a conservative change, it occurs at a poorly conserved position in the protein, it is predicted to be benign by multiple in silico algorithms, and/or has population frequency not consistent with disease.